The following is an entry in ClinVar:

ClinVar aggregate classification (germline): Likely pathogenic (1 of 4 stars; one submission).

Conditions:
Hereditary cancer-predisposing syndrome. Also called: Tumor predisposition; Hereditary Cancer Syndrome; Neoplastic Syndromes, Hereditary; Hereditary neoplastic syndrome. Identifiers: Orphanet 140162, MedGen C0027672, MeSH D009386, MONDO:0015356.

Submission:

Ambry Genetics
Classification: Likely pathogenic for Hereditary cancer-predisposing syndrome. Last evaluated: 2024-08-11. Review status: criteria provided, single submitter. Criteria: Ambry Variant Classification Scheme 2023. Collection method: clinical testing. Allele origin: germline.
Comment: The c.6976-1G>C intronic variant results from a G to C substitution one nucleotide upstream from coding exon 47 of the ATM gene. This nucleotide position is highly conserved in available vertebrate species. In silico splice site analysis predicts that this alteration will weaken the native splice acceptor site. This variant is considered to be rare based on population cohorts in the Genome Aggregation Database (gnomAD). Alterations that disrupt the canonical splice site are expected to cause aberrant splicing, resulting in an abnormal protein or a transcript that is subject to nonsense-mediated mRNA decay. As such, this alteration is classified as likely pathogenic.

NM_000051.4(ATM):c.6976-1G>C

Genes: ATM (ATM serine/threonine kinase; plus strand), C11orf65 (chromosome 11 open reading frame 65; minus strand). Cytogenetic location: 11q22.3.
Variant type: single nucleotide variant.
Coding change: c.6976-1G>C on transcript NM_000051.4 (MANE Select); the canonical splice acceptor site of the intron before coding-DNA position 6976, G replaced by C.
Molecular consequence: splice acceptor variant. On other transcripts: intron variant (2).
Genome position (GRCh38, 1-based): chr11:108,327,644, G>C. VCF-style: chr11-108327644-G-C. GRCh37 (hg19) VCF-style: chr11-108198371-G-C.
Other names: c.6976-1G>C (NM_001351834.2); c.641-18573C>G (NM_001330368.2); c.*38+7576C>G (NM_001351110.2).
Identifiers: ClinVar variation 3450328 (VCV003450328.1).